The following is an entry in ClinVar:

ClinVar aggregate classification (germline): Uncertain significance. Review status: criteria provided, multiple submitters, no conflicts (2 of 4 stars). 3 submissions from 3 submitters: Uncertain significance (3). Last evaluated 2025-07-09.

Conditions:
Tuberous sclerosis 2 (TSC2). Identifiers: Orphanet 805, MedGen C1860707, MONDO:0013199, OMIM 613254.
Hereditary cancer-predisposing syndrome. Also called: Hereditary neoplastic syndrome; Tumor predisposition; Neoplastic Syndromes, Hereditary; Hereditary Cancer Syndrome. Identifiers: Orphanet 140162, MedGen C0027672, MeSH D009386, MONDO:0015356.
Tuberous sclerosis syndrome (TSC). Also called: Tuberous Sclerosis Complex; Tuberous sclerosis. Identifiers: Orphanet 805, MedGen C0041341, MONDO:0001734.

gnomAD v4.1: 1 of 1,608,290 alleles (0.000062%); highest among the groups gnomAD compares: Non-Finnish European, 0.000085%; no homozygotes.

Submissions (3):

Labcorp Genetics (formerly Invitae), Labcorp
Classification: Uncertain significance for Tuberous sclerosis 2. Last evaluated: 2025-07-09. Review status: criteria provided, single submitter. Criteria: Invitae Variant Classification Sherloc (09022015). Collection method: clinical testing. Allele origin: germline.
Comment: This sequence change replaces serine, which is neutral and polar, with cysteine, which is neutral and slightly polar, at codon 1730 of the TSC2 protein (p.Ser1730Cys). This variant is not present in population databases (gnomAD no frequency). This variant has not been reported in the literature in individuals affected with TSC2-related conditions. ClinVar contains an entry for this variant (Variation ID: 959546). Invitae Evidence Modeling of protein sequence and biophysical properties (such as structural, functional, and spatial information, amino acid conservation, physicochemical variation, residue mobility, and thermodynamic stability) indicates that this missense variant is not expected to disrupt TSC2 protein function with a negative predictive value of 95%. In summary, the available evidence is currently insufficient to determine the role of this variant in disease. Therefore, it has been classified as a Variant of Uncertain Significance.

Ambry Genetics
Classification: Uncertain significance for Hereditary cancer-predisposing syndrome. Last evaluated: 2025-06-13. Review status: criteria provided, single submitter. Criteria: Ambry Variant Classification Scheme 2023. Collection method: clinical testing. Allele origin: germline.
Comment: The p.S1730C variant (also known as c.5189C>G), located in coding exon 40 of the TSC2 gene, results from a C to G substitution at nucleotide position 5189. The serine at codon 1730 is replaced by cysteine, an amino acid with dissimilar properties. This amino acid position is not well conserved in available vertebrate species. In addition, this alteration is predicted to be deleterious by in silico analysis. Based on the available evidence, the clinical significance of this variant remains unclear.

All of Us Research Program, National Institutes of Health
Classification: Uncertain significance for Tuberous sclerosis syndrome. Last evaluated: 2023-11-20. Review status: criteria provided, single submitter. Criteria: ACMG Guidelines, 2015. Collection method: clinical testing. Allele origin: germline. Inheritance: Autosomal dominant inheritance. Observed: 1 variant allele, 1 heterozygote.
Comment: This missense variant replaces serine with cysteine at codon 1730 of the TSC2 protein. Computational prediction suggests that this variant may have deleterious impact on protein structure and function (internally defined REVEL score threshold >= 0.7, PMID: 27666373). To our knowledge, functional studies have not been reported for this variant. This variant has not been reported in individuals affected with TSC2-related disorders in the literature. This variant has not been identified in the general population by the Genome Aggregation Database (gnomAD). The available evidence is insufficient to determine the role of this variant in disease conclusively. Therefore, this variant is classified as a Variant of Uncertain Significance.

This study involves interpretation of variants in research participants for the purpose of population health screening. Participant phenotype was not available at the time of variant classification. Additional details can be found in publication PMID: 35346344, PMCID: PMC8962531

NM_000548.5(TSC2):c.5189C>G (p.Ser1730Cys)

Gene: TSC2 (TSC complex subunit 2; plus strand). Cytogenetic location: 16p13.3.
Variant type: single nucleotide variant.
Coding change: c.5189C>G on transcript NM_000548.5 (MANE Select); coding-DNA position 5189, C replaced by G.
Protein change: p.Ser1730Cys; replaces serine 1730 with cysteine.
Molecular consequence: missense variant.
Genome position (GRCh38, 1-based): chr16:2,088,255, C>G. VCF-style: chr16-2088255-C-G. GRCh37 (hg19) VCF-style: chr16-2138256-C-G.
Other names: c.4988C>G, p.Ser1663Cys (NM_001077183.3); c.5120C>G, p.Ser1707Cys (NM_001114382.3); c.4880C>G, p.Ser1627Cys (NM_001318827.2); c.4844C>G, p.Ser1615Cys (NM_001318829.2); c.4457C>G, p.Ser1486Cys (NM_001318831.2); c.5021C>G, p.Ser1674Cys (NM_001318832.2); c.4991C>G, p.Ser1664Cys (NM_001363528.2); c.5057C>G, p.Ser1686Cys (NM_001370404.1); and 2 more; short protein forms S1486C, S1674C, S1683C, S1627C, S1663C, S1730C, S1615C, S1664C.
Identifiers: ClinVar variation 959546 (VCV000959546.14), dbSNP rs2091134565, ClinGen allele CA394314149.